The following is an entry in ClinVar:

NM_004525.3(LRP2):c.10398C>A (p.Ser3466Arg)

Gene: LRP2 (LDL receptor related protein 2; minus strand). Cytogenetic location: 2q31.1.
Variant type: single nucleotide variant.
Coding change: c.10398C>A on transcript NM_004525.3 (MANE Select); coding-DNA position 10398, C replaced by A.
Protein change: p.Ser3466Arg; replaces serine 3466 with arginine.
Molecular consequence: missense variant.
Genome position (GRCh38, 1-based): chr2:169,176,584, G>T on the plus strand (C>A on the coding strand, the complement: LRP2 is on the minus strand). VCF-style: chr2-169176584-G-T. GRCh37 (hg19) VCF-style: chr2-170033094-G-T.
Other names: c.10398C>A (NM_004525.2); short protein forms S3466R.
Identifiers: ClinVar variation 1512082 (VCV001512082.8), dbSNP rs148506069, ClinGen allele CA1953363.

ClinVar aggregate classification (germline): Uncertain significance. Review status: criteria provided, multiple submitters, no conflicts (2 of 4 stars). 5 submissions from 5 submitters: Uncertain significance (5). Last evaluated 2026-09-01.

Conditions:
LRP2-related disorder. Also called: LRP2-related condition.
Inborn genetic diseases. Identifiers: MedGen C0950123, MeSH D030342.
Donnai-Barrow syndrome. Also called: DBS/FOAR SYNDROME; FACIOOCULOACOUSTICORENAL SYNDROME. Identifiers: Orphanet 2143, MedGen C1857277, MONDO:0009104, OMIM 222448.

Allele frequency attached by ClinVar (database versions not stated): ExAC 0.00006; gnomAD 0.00009 and 0.00010; gnomAD exomes 0.00009 and 0.00016; TOPMed 0.00012; ESP Exome Variant Server 0.00023.
gnomAD v4.1: 251 of 1,613,892 alleles (0.016%); highest among the groups gnomAD compares: Non-Finnish European, 0.02%; no homozygotes.

Submissions (5):

PreventionGenetics, part of Exact Sciences
Classification: Uncertain significance for LRP2-related condition. Last evaluated: 2026-09-01. Review status: criteria provided, single submitter. Criteria: ACMG Guidelines, 2015. Collection method: clinical testing. Allele origin: germline.
Comment: The LRP2 c.10398C>A variant is predicted to result in the amino acid substitution p.Ser3466Arg. To our knowledge, this variant has not been reported in the literature. This variant is reported in 0.014% of alleles in individuals of Latino descent in gnomAD. At this time, the clinical significance of this variant is uncertain due to the absence of conclusive functional and genetic evidence.

Ambry Genetics
Classification: Uncertain significance for Inborn genetic diseases. Last evaluated: 2025-08-06. Review status: criteria provided, single submitter. Criteria: Ambry Variant Classification Scheme 2023. Collection method: clinical testing. Allele origin: germline.

Blueprint Genetics
Classification: Uncertain significance. Last evaluated: 2023-07-18. Review status: criteria provided, single submitter. Criteria: ACMG Guidelines, 2015. Collection method: clinical testing. Allele origin: germline.

Labcorp Genetics (formerly Invitae), Labcorp
Classification: Uncertain significance. Last evaluated: 2022-08-22. Review status: criteria provided, single submitter. Criteria: Invitae Variant Classification Sherloc (09022015). Collection method: clinical testing. Allele origin: germline.
Comment: This sequence change replaces serine, which is neutral and polar, with arginine, which is basic and polar, at codon 3466 of the LRP2 protein (p.Ser3466Arg). This variant is present in population databases (rs148506069, gnomAD 0.02%). This variant has not been reported in the literature in individuals affected with LRP2-related conditions. ClinVar contains an entry for this variant (Variation ID: 1512082). Advanced modeling of protein sequence and biophysical properties (such as structural, functional, and spatial information, amino acid conservation, physicochemical variation, residue mobility, and thermodynamic stability) performed at Invitae indicates that this missense variant is not expected to disrupt LRP2 protein function. In summary, the available evidence is currently insufficient to determine the role of this variant in disease. Therefore, it has been classified as a Variant of Uncertain Significance.

Fulgent Genetics
Classification: Uncertain significance for Donnai-Barrow syndrome. Last evaluated: 2022-03-07. Review status: criteria provided, single submitter. Criteria: ACMG Guidelines, 2015. Collection method: clinical testing. Allele origin: unknown.